The following is an entry in ClinVar:

NM_020458.4(TTC7A):c.158G>C (p.Ser53Thr)

Genes: MCFD2 (multiple coagulation factor deficiency 2, ER cargo receptor complex subunit; minus strand), TTC7A (tetratricopeptide repeat domain 7A; plus strand). Cytogenetic location: 2p21.
Variant type: single nucleotide variant.
Coding change: c.158G>C on transcript NM_020458.4 (MANE Select); coding-DNA position 158, G replaced by C.
Protein change: p.Ser53Thr; replaces serine 53 with threonine.
Molecular consequence: missense variant. On other transcripts: 5 prime UTR variant (3), intron variant (1).
Genome position (GRCh38, 1-based): chr2:46,941,699, G>C. VCF-style: chr2-46941699-G-C. GRCh37 (hg19) VCF-style: chr2-47168838-G-C.
Other names: p.Ser53Thr; c.158G>C, p.Ser53Thr (NM_001288951.2); c.-747G>C (NM_001288955.2); c.-134C>G (NM_001171508.2); c.-36C>G (NM_001171511.3); c.83-8664G>C (NM_001288953.2); short protein forms S53T.
Identifiers: ClinVar variation 721225 (VCV000721225.12), dbSNP rs117017326, ClinGen allele CA1647038.

ClinVar aggregate classification (germline): Benign. Review status: criteria provided, multiple submitters, no conflicts (2 of 4 stars). 3 submissions from 3 submitters: Benign (3). Last evaluated 2026-02-02.

Conditions:
Multiple gastrointestinal atresias. Also called: FAMILIAL INTESTINAL POLYATRESIA SYNDROME; Multiple intestinal atresia. Identifiers: Orphanet 2300, MedGen C0220744, MONDO:0009465.

Allele frequency attached by ClinVar (database versions not stated): gnomAD exomes 0.00080 and 0.00252; gnomAD 0.00108 and 0.00059; 1000 Genomes Project 30x 0.00656; TOPMed 0.00141; ExAC 0.00232; 1000 Genomes Project 0.00719.
gnomAD v4.1: 1,386 of 1,550,884 alleles (0.089%); highest among the groups gnomAD compares: East Asian, 2.2%; 27 homozygotes.

Submissions (3):

Labcorp Genetics (formerly Invitae), Labcorp
Classification: Benign for Multiple gastrointestinal atresias. Last evaluated: 2026-02-02. Review status: criteria provided, single submitter. Criteria: Invitae Variant Classification Sherloc (09022015). Collection method: clinical testing. Allele origin: germline.

Mayo Clinic Laboratories, Mayo Clinic
Classification: Benign. Last evaluated: 2025-09-23. Review status: criteria provided, single submitter. Criteria: ACMG Guidelines, 2015. Collection method: clinical testing. Allele origin: germline. Observed: 1 variant allele.
Comment: BS1, BS2, BP4_strong

Breakthrough Genomics
Classification: Benign. Review status: criteria provided, single submitter. Criteria: ACMG Guidelines, 2015. Collection method: not provided. Allele origin: germline. Inheritance: Autosomal recessive inheritance. Affected: yes.